The following is an entry in ClinVar:

ClinVar aggregate classification (germline): Uncertain significance (1 of 4 stars; one submission).

Submission:

Labcorp Genetics (formerly Invitae), Labcorp
Classification: Uncertain significance. Last evaluated: 2025-10-01. Review status: criteria provided, single submitter. Criteria: Invitae Variant Classification Sherloc (09022015). Collection method: clinical testing. Allele origin: germline.
Comment: This sequence change falls in intron 31 of the TBCD gene. It does not directly change the encoded amino acid sequence of the TBCD protein. This variant is not present in population databases (gnomAD no frequency). This variant has not been reported in the literature in individuals affected with TBCD-related conditions. Algorithms developed to predict the effect of sequence changes on RNA splicing suggest that this variant may create or strengthen a splice site. In summary, the available evidence is currently insufficient to determine the role of this variant in disease. Therefore, it has been classified as a Variant of Uncertain Significance.

NM_005993.5(TBCD):c.2853-15C>G

Gene: TBCD (tubulin folding cofactor D). Cytogenetic location: 17q25.3.
Variant type: single nucleotide variant.
Coding change: c.2853-15C>G on transcript NM_005993.5 (MANE Select); 15 bases into the intron before coding-DNA position 2853, C replaced by G.
Molecular consequence: intron variant.
Genome position (GRCh38, 1-based): chr17:82,929,347, C>G. VCF-style: chr17-82929347-C-G. GRCh37 (hg19) VCF-style: chr17-80887223-C-G.
Other names: c.2772-15C>G (NM_001411102.1); c.2496-15C>G (NM_001437989.1); c.2802-15C>G (NM_001411101.1); c.2664-15C>G (NM_001438250.1).
Identifiers: ClinVar variation 4726629 (VCV004726629.1).
Genomic context (GRCh38, chr17:82,929,347, plus strand): 5'-AGGCCCCCCGTGCTGGCCCCGCAGCCATGGCGAGATCATTGGCAGCCCGGCCTTGTCTCA[C>G]TCACTCTCTTGCAGGTCCGATGTGGCCTCCGTGAACTGGAGTGCACCTTCCCAGGCCTTC-3'